The following is an entry in ClinVar:

ClinVar aggregate classification (germline): Uncertain significance (1 of 4 stars; one submission).

Conditions:
Inborn genetic diseases. Identifiers: MedGen C0950123, MeSH D030342.

Submission:

Ambry Genetics
Classification: Uncertain significance for Inborn genetic diseases. Last evaluated: 2017-05-18. Review status: criteria provided, single submitter. Criteria: Ambry Variant Classification Scheme 2023. Collection method: clinical testing. Allele origin: germline.
Comment: The p.M2557I variant (also known as c.7671G>A), located in coding exon 9 of the ANKRD11 gene, results from a G to A substitution at nucleotide position 7671. The methionine at codon 2557 is replaced by isoleucine, an amino acid with highly similar properties. This amino acid position is well conserved in available vertebrate species. In addition, this alteration is predicted to be tolerated by in silico analysis. Since supporting evidence is limited at this time, the clinical significance of this alteration remains unclear.

NM_013275.6(ANKRD11):c.7671G>A (p.Met2557Ile)

Gene: ANKRD11 (ankyrin repeat domain containing 11; minus strand). Cytogenetic location: 16q24.3.
Variant type: single nucleotide variant.
Coding change: c.7671G>A on transcript NM_013275.6 (MANE Select); coding-DNA position 7671, G replaced by A.
Protein change: p.Met2557Ile; replaces methionine 2557 with isoleucine.
Molecular consequence: missense variant.
Genome position (GRCh38, 1-based): chr16:89,274,856, C>T on the plus strand (G>A on the coding strand, the complement: ANKRD11 is on the minus strand). VCF-style: chr16-89274856-C-T. GRCh37 (hg19) VCF-style: chr16-89341264-C-T.
Other names: c.7671G>A, p.Met2557Ile (NM_001256182.2, NM_001256183.2); short protein forms M2557I.
Identifiers: ClinVar variation 589750 (VCV000589750.5), dbSNP rs1567544079, ClinGen allele CA397147539.